The following is an entry in ClinVar:

NM_004960.4(FUS):c.940A>G (p.Asn314Asp)

Gene: FUS (FUS RNA binding protein; plus strand). Cytogenetic location: 16p11.2.
Variant type: single nucleotide variant.
Coding change: c.940A>G on transcript NM_004960.4 (MANE Select); coding-DNA position 940, A replaced by G.
Protein change: p.Asn314Asp; replaces asparagine 314 with aspartic acid.
Molecular consequence: missense variant. On other transcripts: non-coding transcript variant (1).
Genome position (GRCh38, 1-based): chr16:31,189,668, A>G. VCF-style: chr16-31189668-A-G. GRCh37 (hg19) VCF-style: chr16-31200989-A-G.
Other names: c.937A>G, p.Asn313Asp (NM_001170634.1); c.928A>G, p.Asn310Asp (NM_001170937.1); short protein forms N310D, N313D, N314D.
Identifiers: ClinVar variation 1320885 (VCV001320885.2), dbSNP rs2144132585, ClinGen allele CA395673122.
Genomic context (GRCh38, chr16:31,189,668, plus strand): 5'-TGGAAAGGGAGTACTGTAGCCTTTAAAATTGATGTTACCTCATTTTGCTTTCTTCAGACA[A>G]ACAAGAAAACGGGACAGCCCATGATTAATTTGTACACAGACAGGGAAACTGGCAAGCTGA-3'
Protein context (NP_004951.1, residues 304-324): YFKQIGIIKT[Asn314Asp]KKTGQPMINL

ClinVar aggregate classification (germline): Uncertain significance (1 of 4 stars; one submission).

Submission:

GeneDx
Classification: Uncertain significance. Last evaluated: 2019-02-08. Review status: criteria provided, single submitter. Criteria: GeneDx Variant Classification Process June 2021. Collection method: clinical testing. Allele origin: germline. Affected: yes.
Comment: Not observed in large population cohorts (Lek et al., 2016); In silico analysis, which includes protein predictors and evolutionary conservation, supports a deleterious effect; Has not been previously published as pathogenic or benign to our knowledge